The following is an entry in ClinVar:

ClinVar aggregate classification (germline): Uncertain significance. Review status: criteria provided, multiple submitters, no conflicts (2 of 4 stars). 2 submissions from 2 submitters: Uncertain significance (2). Last evaluated 2024-12-18.

Conditions:
Hereditary cancer-predisposing syndrome. Also called: Neoplastic Syndromes, Hereditary; Hereditary Cancer Syndrome; Hereditary neoplastic syndrome; Tumor predisposition. Identifiers: Orphanet 140162, MedGen C0027672, MeSH D009386, MONDO:0015356.
Multiple endocrine neoplasia type 4. Also called: MULTIPLE ENDOCRINE NEOPLASIA, TYPE IV. Identifiers: Orphanet 276152, MedGen C1970712, MONDO:0012552, OMIM 610755.

Allele frequency attached by ClinVar (database versions not stated): gnomAD exomes below 0.00001; TOPMed below 0.00001.
gnomAD v4.1: 3 of 1,600,714 alleles (0.00019%); highest among the groups gnomAD compares: East Asian, 0.0022%; no homozygotes.

Submissions (2):

Labcorp Genetics (formerly Invitae), Labcorp
Classification: Uncertain significance for Multiple endocrine neoplasia type 4. Last evaluated: 2024-12-18. Review status: criteria provided, single submitter. Criteria: Invitae Variant Classification Sherloc (09022015). Collection method: clinical testing. Allele origin: germline.
Comment: This sequence change replaces aspartic acid, which is acidic and polar, with asparagine, which is neutral and polar, at codon 158 of the CDKN1B protein (p.Asp158Asn). This variant is not present in population databases (gnomAD no frequency). This variant has not been reported in the literature in individuals affected with CDKN1B-related conditions. ClinVar contains an entry for this variant (Variation ID: 825130). An algorithm developed to predict the effect of missense changes on protein structure and function (PolyPhen-2) suggests that this variant is likely to be disruptive. In summary, the available evidence is currently insufficient to determine the role of this variant in disease. Therefore, it has been classified as a Variant of Uncertain Significance.

Ambry Genetics
Classification: Uncertain significance for Hereditary cancer-predisposing syndrome. Last evaluated: 2019-08-12. Review status: criteria provided, single submitter. Criteria: Ambry Variant Classification Scheme 2023. Collection method: clinical testing. Allele origin: germline.
Comment: The p.D158N variant (also known as c.472G>A), located in coding exon 1 of the CDKN1B gene, results from a G to A substitution at nucleotide position 472. The aspartic acid at codon 158 is replaced by asparagine, an amino acid with highly similar properties. This amino acid position is well conserved in available vertebrate species; however, asparagine is the reference amino acid in other vertebrate species. In addition, this alteration is predicted to be tolerated by in silico analysis. Since supporting evidence is limited at this time, the clinical significance of this alteration remains unclear.

NM_004064.5(CDKN1B):c.472G>A (p.Asp158Asn)

Gene: CDKN1B (cyclin dependent kinase inhibitor 1B; plus strand). Cytogenetic location: 12p13.1.
Variant type: single nucleotide variant.
Coding change: c.472G>A on transcript NM_004064.5 (MANE Select); coding-DNA position 472, G replaced by A.
Protein change: p.Asp158Asn; replaces aspartic acid 158 with asparagine.
Molecular consequence: missense variant.
Genome position (GRCh38, 1-based): chr12:12,718,311, G>A. VCF-style: chr12-12718311-G-A. GRCh37 (hg19) VCF-style: chr12-12871245-G-A.
Other names: short protein forms D158N.
Identifiers: ClinVar variation 825130 (VCV000825130.14), dbSNP rs1592281294, ClinGen allele CA383970997.
Genomic context (GRCh38, chr12:12,718,311, plus strand): 5'-TCGGACAGCCAGACGGGGTTAGCGGAGCAATGCGCAGGAATAAGGAAGCGACCTGCAACC[G>A]ACGGTAATGACCCTTTCCCAACCATAGAATGTGTTTGGGGCCCCGCTTTGCCTGCTGGAG-3'
Protein context (NP_004055.1, residues 148-168): CAGIRKRPAT[Asp158Asn]DSSTQNKRAN